The following is an entry in ClinVar:

ClinVar aggregate classification (germline): Uncertain significance. Review status: criteria provided, multiple submitters, no conflicts (2 of 4 stars). 2 submissions from 2 submitters: Uncertain significance (2). Last evaluated 2024-01-01.

Allele frequency attached by ClinVar (database versions not stated): gnomAD 0.00001; TOPMed 0.00001; ExAC 0.00001.
gnomAD v4.1: 32 of 1,600,514 alleles (0.002%); highest among the groups gnomAD compares: Admixed American, 0.0034%; no homozygotes.

Submissions (2):

CeGaT Center for Human Genetics Tuebingen
Classification: Uncertain significance. Last evaluated: 2024-01-01. Review status: criteria provided, single submitter. Criteria: CeGaT Center For Human Genetics Tuebingen Variant Classification Criteria Version 2. Collection method: clinical testing. Allele origin: germline. Affected: yes. Observed: 1 variant allele.

Labcorp Genetics (formerly Invitae), Labcorp
Classification: Uncertain significance. Last evaluated: 2022-07-27. Review status: criteria provided, single submitter. Criteria: Invitae Variant Classification Sherloc (09022015). Collection method: clinical testing. Allele origin: germline.
Comment: The frequency data for this variant in the population databases is considered unreliable, as metrics indicate poor data quality at this position in the gnomAD database. This sequence change replaces alanine, which is neutral and non-polar, with threonine, which is neutral and polar, at codon 710 of the AHDC1 protein (p.Ala710Thr). In summary, the available evidence is currently insufficient to determine the role of this variant in disease. Therefore, it has been classified as a Variant of Uncertain Significance. This variant has not been reported in the literature in individuals affected with AHDC1-related conditions. Algorithms developed to predict the effect of missense changes on protein structure and function output the following: SIFT: "Tolerated"; PolyPhen-2: "Possibly Damaging"; Align-GVGD: "Class C0". The threonine amino acid residue is found in multiple mammalian species, which suggests that this missense change does not adversely affect protein function.

NM_001371928.1(AHDC1):c.2128G>A (p.Ala710Thr)

Gene: AHDC1 (AT-hook DNA binding motif containing 1; minus strand). Cytogenetic location: 1p36.11.
Variant type: single nucleotide variant.
Coding change: c.2128G>A on transcript NM_001371928.1 (MANE Select); coding-DNA position 2128, G replaced by A.
Protein change: p.Ala710Thr; replaces alanine 710 with threonine.
Molecular consequence: missense variant.
Genome position (GRCh38, 1-based): chr1:27,549,988, C>T on the plus strand (G>A on the coding strand, the complement: AHDC1 is on the minus strand). VCF-style: chr1-27549988-C-T. GRCh37 (hg19) VCF-style: chr1-27876499-C-T.
Other names: c.2128G>A, p.Ala710Thr (NM_001029882.3); short protein forms A710T.
Identifiers: ClinVar variation 1905389 (VCV001905389.27), dbSNP rs772577610, ClinGen allele CA715833.